The following is an entry in ClinVar:

NM_001080517.3(SETD5):c.2784del (p.Asn928fs)

Gene: SETD5 (SET domain containing 5; plus strand). Cytogenetic location: 3p25.3.
Variant type: Deletion.
Coding change: c.2784del on transcript NM_001080517.3 (MANE Select); coding-DNA position 2784, one base deleted (C; older notation c.2784delC).
Protein change: p.Asn928fs; shifts the reading frame from asparagine 928.
Molecular consequence: frameshift variant.
Genome position (GRCh38, 1-based): chr3:9,470,518, C deleted. VCF-style (leftmost placement, unchanged base first): chr3-9470517-AC-A. GRCh37 (hg19) VCF-style: chr3-9512201-AC-A.
Other names: c.2490del, p.Asn830fs (NM_001292043.2, NM_001349451.2); short protein forms N928fs, N830fs.
Identifiers: ClinVar variation 2018963 (VCV002018963.4), dbSNP rs2473803568, ClinGen allele CA2580070730.

ClinVar aggregate classification (germline): Pathogenic (1 of 4 stars; one submission).

Submission:

Labcorp Genetics (formerly Invitae), Labcorp
Classification: Pathogenic. Last evaluated: 2022-10-17. Review status: criteria provided, single submitter. Criteria: Invitae Variant Classification Sherloc (09022015). Collection method: clinical testing. Allele origin: germline.
Comment: This sequence change creates a premature translational stop signal (p.Asn928Lysfs*43) in the SETD5 gene. It is expected to result in an absent or disrupted protein product. Loss-of-function variants in SETD5 are known to be pathogenic (PMID: 24680889). This variant is not present in population databases (gnomAD no frequency). This variant has not been reported in the literature in individuals affected with SETD5-related conditions. For these reasons, this variant has been classified as Pathogenic.

Literature cited by the submitters: PubMed 24680889.